The following is an entry in ClinVar:

NM_004360.5(CDH1):c.1009-4G>A

Gene: CDH1 (cadherin 1; plus strand). Cytogenetic location: 16q22.1.
Variant type: single nucleotide variant.
Coding change: c.1009-4G>A on transcript NM_004360.5 (MANE Select); 4 bases into the intron before coding-DNA position 1009, G replaced by A.
Molecular consequence: intron variant.
Genome position (GRCh38, 1-based): chr16:68,812,131, G>A. VCF-style: chr16-68812131-G-A. GRCh37 (hg19) VCF-style: chr16-68846034-G-A.
Other names: c.-607-4G>A (NM_001317185.2); c.-811-4G>A (NM_001317186.2); c.1009-4G>A (NM_001317184.2).
Identifiers: ClinVar variation 1132550 (VCV001132550.10), dbSNP rs2152132477, ClinGen allele CA2499223654.

ClinVar aggregate classification (germline): Likely benign. Review status: criteria provided, multiple submitters, no conflicts (2 of 4 stars). 2 submissions from 2 submitters: Likely benign (2). Last evaluated 2024-10-08.

Conditions:
Hereditary diffuse gastric adenocarcinoma (HDGC). Also called: DIFFUSE GASTRIC AND LOBULAR BREAST CANCER SYNDROME. Identifiers: Orphanet 26106, MedGen C1708349, MONDO:0007648, OMIM 137215.

Submissions (2):

Labcorp Genetics (formerly Invitae), Labcorp
Classification: Likely benign for Hereditary diffuse gastric adenocarcinoma. Last evaluated: 2024-10-08. Review status: criteria provided, single submitter. Criteria: Invitae Variant Classification Sherloc (09022015). Collection method: clinical testing. Allele origin: germline.

Myriad Genetics, Inc.
Classification: Likely benign for Hereditary diffuse gastric adenocarcinoma. Last evaluated: 2024-09-17. Review status: criteria provided, single submitter. Criteria: Myriad Autosomal Dominant, Autosomal Recessive and X-Linked Classification Criteria (2023). Collection method: clinical testing. Allele origin: unknown.
Comment: This variant is considered likely benign. This variant is intronic and is not expected to impact mRNA splicing.